The following is an entry in ClinVar:

ClinVar aggregate classification (germline): Pathogenic (1 of 4 stars; one submission).

Submission:

Labcorp Genetics (formerly Invitae), Labcorp
Classification: Pathogenic. Last evaluated: 2023-05-15. Review status: criteria provided, single submitter. Criteria: Invitae Variant Classification Sherloc (09022015). Collection method: clinical testing. Allele origin: germline.
Comment: For these reasons, this variant has been classified as Pathogenic. ClinVar contains an entry for this variant (Variation ID: 1505739). This variant has not been reported in the literature in individuals affected with CTNNA1-related conditions. This variant is not present in population databases (gnomAD no frequency). This sequence change creates a premature translational stop signal (p.Leu150*) in the CTNNA1 gene. It is expected to result in an absent or disrupted protein product. Loss-of-function variants in CTNNA1 are known to be pathogenic (PMID: 32051609, 34425242).

Literature cited by the submitters: PubMed 32051609; PubMed 34425242.

NM_001903.5(CTNNA1):c.449T>G (p.Leu150Ter)

Gene: CTNNA1 (catenin alpha 1; plus strand). Cytogenetic location: 5q31.2.
Variant type: single nucleotide variant.
Coding change: c.449T>G on transcript NM_001903.5 (MANE Select); coding-DNA position 449, T replaced by G.
Protein change: p.Leu150Ter; replaces leucine 150 with a stop codon.
Molecular consequence: nonsense.
Genome position (GRCh38, 1-based): chr5:138,810,185, T>G. VCF-style: chr5-138810185-T-G. GRCh37 (hg19) VCF-style: chr5-138145874-T-G.
Other names: c.449T>G, p.Leu150Ter (NM_001323984.2, NM_001323985.2, NM_001323986.2 and 3 more transcripts); c.140T>G, p.Leu47Ter (NM_001290309.3); c.80T>G, p.Leu27Ter (NM_001290310.3); short protein forms L150*, L47*, L27*.
Identifiers: ClinVar variation 1505739 (VCV001505739.6), dbSNP rs1581105912, ClinGen allele CA361123658.